The following is an entry in ClinVar:

ClinVar aggregate classification (germline): Likely benign. Review status: criteria provided, single submitter (1 of 4 stars). 3 submissions from 1 submitter: Likely benign (3). Last evaluated 2018-01-13.

Conditions:
Rabson-Mendenhall syndrome. Also called: MENDENHALL SYNDROME; Pineal Hyperplasia, Insulin-Resistant Diabetes Mellitus, and Somatic Abnormalities; Pineal hyperplasia AND diabetes mellitus syndrome. Identifiers: Orphanet 769, MedGen C0271695, MONDO:0009874, OMIM 262190.
Leprechaunism syndrome. Also called: Donohue syndrome; LEPRECHAUNISM. Identifiers: Orphanet 508, MedGen C0265344, MONDO:0009517, OMIM 246200.
Insulin-resistant diabetes mellitus AND acanthosis nigricans. Also called: Insulin-resistance syndrome type A; INSULIN RECEPTOR, DEFECT IN, WITH INSULIN-RESISTANT DIABETES MELLITUS AND ACANTHOSIS NIGRICANS; IRAN, TYPE A; type A insulin resistance; DIABETES MELLITUS, INSULIN-RESISTANT, WITH ACANTHOSIS NIGRICANS, TYPE A. Identifiers: Orphanet 2297, MedGen C0342278, MONDO:0012520, OMIM 610549.

Allele frequency attached by ClinVar (database versions not stated): gnomAD 0.00025 and 0.00050; TOPMed 0.00046; 1000 Genomes Project 30x 0.00265; 1000 Genomes Project 0.00280.

Submissions (3):

Illumina Laboratory Services, Illumina
Classification: Likely benign for Leprechaunism syndrome. Last evaluated: 2018-01-13. Review status: criteria provided, single submitter. Criteria: ICSL Variant Classification Criteria 13 December 2019. Collection method: clinical testing. Allele origin: germline.
Comment: This variant was observed in the ICSL laboratory as part of a predisposition screen in an ostensibly healthy population. It had not been previously curated by ICSL or reported in the Human Gene Mutation Database (HGMD: prior to June 1st, 2018), and was therefore a candidate for classification through an automated scoring system. Utilizing variant allele frequency, disease prevalence and penetrance estimates, and inheritance mode, an automated score was calculated to assess if this variant is too frequent to cause the disease. Based on the score and internal cut-off values, a variant classified as likely benign is not then subjected to further curation. The score for this variant resulted in a classification of likely benign for this disease.

Illumina Laboratory Services, Illumina
Classification: Likely benign for Rabson-Mendenhall syndrome. Last evaluated: 2018-01-13. Review status: criteria provided, single submitter. Criteria: ICSL Variant Classification Criteria 13 December 2019. Collection method: clinical testing. Allele origin: germline.
Comment: the same text as in the submission from Illumina Laboratory Services, Illumina above.

Illumina Laboratory Services, Illumina
Classification: Likely benign for Insulin-resistant diabetes mellitus AND acanthosis nigricans. Last evaluated: 2018-01-13. Review status: criteria provided, single submitter. Criteria: ICSL Variant Classification Criteria 13 December 2019. Collection method: clinical testing. Allele origin: germline.
Comment: the same text as in the submission from Illumina Laboratory Services, Illumina above.

NM_000208.4(INSR):c.*3685T>C

Genes: INSR (insulin receptor; minus strand), LOC129391047 (MPRA-validated peak3314 silencer; plus strand). Cytogenetic location: 19p13.2.
Variant type: single nucleotide variant.
Coding change: c.*3685T>C on transcript NM_000208.4 (MANE Select); 3685 bases downstream of the stop codon, T replaced by C.
Molecular consequence: 3 prime UTR variant.
Genome position (GRCh38, 1-based): chr19:7,113,371, A>G on the plus strand (T>C on the coding strand, the complement: INSR is on the minus strand). VCF-style: chr19-7113371-A-G. GRCh37 (hg19) VCF-style: chr19-7113382-A-G.
Other names: c.*3685T>C (NM_001079817.3).
Identifiers: ClinVar variation 330361 (VCV000330361.5), dbSNP rs143409422, ClinGen allele CA10649196.